The following is an entry in ClinVar:

NM_006662.3(SRCAP):c.4256A>C (p.Asn1419Thr)

Gene: SRCAP (Snf2 related CREBBP activator protein; plus strand). Cytogenetic location: 16p11.2.
Variant type: single nucleotide variant.
Coding change: c.4256A>C on transcript NM_006662.3 (MANE Select); coding-DNA position 4256, A replaced by C.
Protein change: p.Asn1419Thr; replaces asparagine 1419 with threonine.
Molecular consequence: missense variant.
Genome position (GRCh38, 1-based): chr16:30,723,680, A>C. VCF-style: chr16-30723680-A-C. GRCh37 (hg19) VCF-style: chr16-30735001-A-C.
Other names: c.4256A>C (NM_006662.2); short protein forms N1419T.
Identifiers: ClinVar variation 2199924 (VCV002199924.5), dbSNP rs1313456454, ClinGen allele CA395615636.

ClinVar aggregate classification (germline): Uncertain significance. Review status: criteria provided, multiple submitters, no conflicts (2 of 4 stars). 2 submissions from 2 submitters: Uncertain significance (2). Last evaluated 2026-01-05.

Conditions:
Inborn genetic diseases. Identifiers: MedGen C0950123, MeSH D030342.

gnomAD v4.1: 13 of 1,611,816 alleles (0.00081%); highest among the groups gnomAD compares: Middle Eastern, 0.017%; no homozygotes.

Submissions (2):

Labcorp Genetics (formerly Invitae), Labcorp
Classification: Uncertain significance. Last evaluated: 2026-01-05. Review status: criteria provided, single submitter. Criteria: Invitae Variant Classification Sherloc (09022015). Collection method: clinical testing. Allele origin: germline.
Comment: This sequence change replaces asparagine, which is neutral and polar, with threonine, which is neutral and polar, at codon 1419 of the SRCAP protein (p.Asn1419Thr). This variant is present in population databases (no rsID available, gnomAD 0.0009%). This variant has not been reported in the literature in individuals affected with SRCAP-related conditions. ClinVar contains an entry for this variant (Variation ID: 2199924). Invitae Evidence Modeling of protein sequence and biophysical properties (such as structural, functional, and spatial information, amino acid conservation, physicochemical variation, residue mobility, and thermodynamic stability) indicates that this missense variant is not expected to disrupt SRCAP protein function with a negative predictive value of 80%. In summary, the available evidence is currently insufficient to determine the role of this variant in disease. Therefore, it has been classified as a Variant of Uncertain Significance.

Ambry Genetics
Classification: Uncertain significance for Inborn genetic diseases. Last evaluated: 2025-01-19. Review status: criteria provided, single submitter. Criteria: Ambry Variant Classification Scheme 2023. Collection method: clinical testing. Allele origin: germline.